The following is an entry in ClinVar:

ClinVar aggregate classification (germline): Uncertain significance (1 of 4 stars; one submission).

Submission:

Labcorp Genetics (formerly Invitae), Labcorp
Classification: Uncertain significance. Last evaluated: 2023-01-17. Review status: criteria provided, single submitter. Criteria: Invitae Variant Classification Sherloc (09022015). Collection method: clinical testing. Allele origin: germline.
Comment: This variant is not present in population databases (gnomAD no frequency). In summary, the available evidence is currently insufficient to determine the role of this variant in disease. Therefore, it has been classified as a Variant of Uncertain Significance. Advanced modeling of protein sequence and biophysical properties (such as structural, functional, and spatial information, amino acid conservation, physicochemical variation, residue mobility, and thermodynamic stability) performed at Invitae indicates that this missense variant is expected to disrupt LOX protein function. This variant has not been reported in the literature in individuals affected with LOX-related conditions. This sequence change replaces leucine, which is neutral and non-polar, with glutamine, which is neutral and polar, at codon 245 of the LOX protein (p.Leu245Gln).

NM_002317.7(LOX):c.734T>A (p.Leu245Gln)

Genes: SRFBP1 (serum response factor binding protein 1; plus strand), LOX (lysyl oxidase; minus strand). Cytogenetic location: 5q23.1.
Variant type: single nucleotide variant.
Coding change: c.734T>A on transcript NM_002317.7 (MANE Select); coding-DNA position 734, T replaced by A.
Protein change: p.Leu245Gln; replaces leucine 245 with glutamine.
Molecular consequence: missense variant. On other transcripts: intron variant (1).
Genome position (GRCh38, 1-based): chr5:122,076,899, A>T on the plus strand (T>A on the coding strand, the complement: LOX is on the minus strand). VCF-style: chr5-122076899-A-T. GRCh37 (hg19) VCF-style: chr5-121412594-A-T.
Other names: c.44T>A, p.Leu15Gln (NM_001178102.2); c.-152+193T>A (NM_001317073.1); short protein forms L245Q, L15Q.
Identifiers: ClinVar variation 2829418 (VCV002829418.3), dbSNP rs2532914790, ClinGen allele CA360874793.
Genomic context (GRCh38, chr5:122,076,899, plus strand): 5'-AGCGCCCCCTGAAGGTAGACCGGGGAGCGGGGCCTCAGACATATCAGCCCGTACCTGGCC[A>T]GACAGTTTTCCTCCGCCGCGCATCTCAGGTTGTACATGGACATCTTCTGCACGTACGTGG-3'
Protein context (NP_002308.2, residues 235-255): NLRCAAEENC[Leu245Gln]ASTAYRADVR